The following is an entry in ClinVar:

NM_007294.4(BRCA1):c.4741G>T (p.Glu1581Ter)

Gene: BRCA1 (BRCA1 DNA repair associated; minus strand). Cytogenetic location: 17q21.31.
Variant type: single nucleotide variant.
Coding change: c.4741G>T on transcript NM_007294.4 (MANE Select); coding-DNA position 4741, G replaced by T.
Protein change: p.Glu1581Ter; replaces glutamic acid 1581 with a stop codon.
Molecular consequence: nonsense. On other transcripts: non-coding transcript variant (1).
Genome position (GRCh38, 1-based): chr17:43,071,173, C>A on the plus strand (G>T on the coding strand, the complement: BRCA1 is on the minus strand). VCF-style: chr17-43071173-C-A. GRCh37 (hg19) VCF-style: chr17-41223190-C-A.
Other names: 4860G>T; c.4600G>T, p.Glu1534Ter (NM_001407727.1, NM_001407728.1, NM_001407729.1 and 13 more transcripts); c.4597G>T, p.Glu1533Ter (NM_001407732.1, NM_001407733.1, NM_001407734.1 and 21 more transcripts); c.4618G>T, p.Glu1540Ter (NM_001407938.1, NM_001407664.1, NM_001407665.1 and 6 more transcripts); c.4615G>T, p.Glu1539Ter (NM_001407939.1, NM_001407940.1, NM_001407670.1 and 11 more transcripts); c.4612G>T, p.Glu1538Ter (NM_001407941.1, NM_001407682.1, NM_001407683.1 and 6 more transcripts); c.4408G>T, p.Glu1470Ter (NM_001407946.1, NM_001407947.1, NM_001407948.1 and 1 more transcripts); c.4738G>T, p.Glu1580Ter (NM_001407611.1, NM_001407612.1, NM_001407622.1 and 17 more transcripts); and 71 more; short protein forms E1581*, E1534*, E477*, E1602*, E1412*, E1454*, E1469*, E1492*.
Identifiers: ClinVar variation 55276 (VCV000055276.9), dbSNP rs397509193, ClinGen allele CA003000.

ClinVar aggregate classification (germline): Pathogenic. Review status: reviewed by expert panel (3 of 4 stars). 5 submissions from 5 submitters: Pathogenic (1). 4 of the submissions do not count toward it. Last evaluated 2016-10-18.

Conditions:
Familial cancer of breast. Also called: hereditary breast carcinoma; BREAST CANCER, FAMILIAL; Hereditary breast cancer. Identifiers: Orphanet 227535, MedGen C0346153, MONDO:0016419, OMIM 114480. Disease mechanism: loss of function.
Hereditary breast ovarian cancer syndrome. Also called: BRCA1- and BRCA2-Associated Hereditary Breast and Ovarian Cancer; Hereditary breast and ovarian cancer syndrome; Hereditary breast and ovarian cancer syndrome (HBOC); Breast and ovarian cancer; Hereditary breast and/or ovarian cancer syndrome; Hereditary breast and ovarian cancer. Identifiers: Orphanet 145, MedGen C0677776, MeSH D061325, MONDO:0003582. Disease mechanism: loss of function.
Breast-ovarian cancer, familial, susceptibility to, 1 (BROVCA1). Also called: BRCA1 Hereditary Breast and Ovarian Cancer; OVARIAN CANCER, SUSCEPTIBILITY TO. Identifiers: Orphanet 145, MedGen C2676676, MONDO:0011450, OMIM 604370. Disease mechanism: loss of function.

Submissions (5):

Evidence-based Network for the Interpretation of Germline Mutant Alleles (ENIGMA)
Classification: Pathogenic for Breast-ovarian cancer, familial, susceptibility to, 1. Last evaluated: 2016-10-18. Review status: reviewed by expert panel. Criteria: ENIGMA BRCA1/2 Classification Criteria (2015). Collection method: curation. Allele origin: germline.
Comment: Variant allele predicted to encode a truncated non-functional protein.

Institute of Medical Genetics and Applied Genomics, University Hospital Tübingen
Classification: Pathogenic for Familial cancer of breast. Last evaluated: 2026-03-03. Review status: criteria provided, single submitter. Criteria: ACMG Guidelines, 2015. Collection method: clinical testing. Allele origin: germline. Inheritance: Autosomal dominant inheritance. Affected: yes. Not counted in ClinVar's aggregate classification.

MGZ Medical Genetics Center
Classification: Pathogenic for Breast-ovarian cancer, familial, susceptibility to, 1. Last evaluated: 2022-08-19. Review status: criteria provided, single submitter. Criteria: ACMG Guidelines, 2015. Collection method: clinical testing. Allele origin: germline. Affected: yes. Observed: 2 variant alleles. Not counted in ClinVar's aggregate classification.
Comment: ACMG criteria applied: PVS1, PM2_SUP, PP1

Consortium of Investigators of Modifiers of BRCA1/2 (CIMBA), c/o University of Cambridge
Classification: Pathogenic for Breast-ovarian cancer, familial, susceptibility to, 1. Last evaluated: 2015-10-02. Review status: criteria provided, single submitter. Criteria: CIMBA Mutation Classification guidelines May 2016. Collection method: clinical testing. Allele origin: germline. Not counted in ClinVar's aggregate classification.

Research Molecular Genetics Laboratory, Women's College Hospital, University of Toronto
Classification: Pathogenic for Hereditary breast ovarian cancer syndrome. Last evaluated: 2014-01-31. Review status: no assertion criteria provided. Collection method: research. Allele origin: germline. Affected: yes. Study: The Canadian Open Genetics Repository (COGR). Not counted in ClinVar's aggregate classification.